The following is an entry in ClinVar:

NM_000212.3(ITGB3):c.1124G>T (p.Gly375Val)

Gene: ITGB3 (integrin subunit beta 3; plus strand). Cytogenetic location: 17q21.32.
Variant type: single nucleotide variant.
Coding change: c.1124G>T on transcript NM_000212.3 (MANE Select); coding-DNA position 1124, G replaced by T.
Protein change: p.Gly375Val; replaces glycine 375 with valine.
Molecular consequence: missense variant.
Genome position (GRCh38, 1-based): chr17:47,290,273, G>T. VCF-style: chr17-47290273-G-T. GRCh37 (hg19) VCF-style: chr17-45367639-G-T.
Other names: short protein forms G375V.
Identifiers: ClinVar variation 4747582 (VCV004747582.1).

ClinVar aggregate classification (germline): Uncertain significance (1 of 4 stars; one submission).

Submission:

Labcorp Genetics (formerly Invitae), Labcorp
Classification: Uncertain significance. Last evaluated: 2025-06-04. Review status: criteria provided, single submitter. Criteria: Invitae Variant Classification Sherloc (09022015). Collection method: clinical testing. Allele origin: germline.
Comment: This sequence change replaces glycine, which is neutral and non-polar, with valine, which is neutral and non-polar, at codon 375 of the ITGB3 protein (p.Gly375Val). This variant is not present in population databases (gnomAD no frequency). This variant has not been reported in the literature in individuals affected with ITGB3-related conditions. Invitae Evidence Modeling of protein sequence and biophysical properties (such as structural, functional, and spatial information, amino acid conservation, physicochemical variation, residue mobility, and thermodynamic stability) indicates that this missense variant is not expected to disrupt ITGB3 protein function with a negative predictive value of 80%. In summary, the available evidence is currently insufficient to determine the role of this variant in disease. Therefore, it has been classified as a Variant of Uncertain Significance.